The following is an entry in ClinVar:

NM_001160372.4(TRAPPC9):c.114T>A (p.Ile38=)

Gene: TRAPPC9 (trafficking protein particle complex subunit 9; minus strand). Cytogenetic location: 8q24.3.
Variant type: single nucleotide variant.
Coding change: c.114T>A on transcript NM_001160372.4 (MANE Select); coding-DNA position 114, T replaced by A.
Protein change: p.Ile38=; no amino-acid change (isoleucine 38 retained).
Molecular consequence: synonymous variant. On other transcripts: non-coding transcript variant (1).
Genome position (GRCh38, 1-based): chr8:140,451,260, A>T on the plus strand (T>A on the coding strand, the complement: TRAPPC9 is on the minus strand). VCF-style: chr8-140451260-A-T. GRCh37 (hg19) VCF-style: chr8-141461359-A-T.
Other names: c.114T>A, p.Ile38= (NM_001321646.2, NM_001374682.1, NM_001374683.1 and 2 more transcripts).
Identifiers: ClinVar variation 2175270 (VCV002175270.20), dbSNP rs373945940, ClinGen allele CA4893797.

ClinVar aggregate classification (germline): Likely benign. Review status: criteria provided, multiple submitters, no conflicts (2 of 4 stars). 2 submissions from 2 submitters: Likely benign (2). Last evaluated 2024-10-29.

Allele frequency attached by ClinVar (database versions not stated): TOPMed 0.00006; gnomAD exomes 0.00007; ESP Exome Variant Server 0.00008; ExAC 0.00010; gnomAD 0.00010.
gnomAD v4.1: 114 of 1,613,304 alleles (0.0071%); highest among the groups gnomAD compares: Non-Finnish European, 0.0089%; no homozygotes.

Submissions (2):

Labcorp Genetics (formerly Invitae), Labcorp
Classification: Likely benign. Last evaluated: 2024-10-29. Review status: criteria provided, single submitter. Criteria: Invitae Variant Classification Sherloc (09022015). Collection method: clinical testing. Allele origin: germline.

CeGaT Center for Human Genetics Tuebingen
Classification: Likely benign. Last evaluated: 2024-08-01. Review status: criteria provided, single submitter. Criteria: CeGaT Center For Human Genetics Tuebingen Variant Classification Criteria Version 2. Collection method: clinical testing. Allele origin: germline. Affected: yes. Observed: 1 variant allele.
Comment: TRAPPC9: BP4, BP7